The following is an entry in ClinVar:

ClinVar aggregate classification (germline): Uncertain significance. Review status: criteria provided, multiple submitters, no conflicts (2 of 4 stars). 3 submissions from 3 submitters: Uncertain significance (3). Last evaluated 2024-04-25.

Conditions:
Inborn genetic diseases. Identifiers: MedGen C0950123, MeSH D030342.

Allele frequency attached by ClinVar (database versions not stated): gnomAD 0.00001; gnomAD exomes 0.00002; ExAC 0.00004.
gnomAD v4.1: 38 of 1,613,946 alleles (0.0024%); highest among the groups gnomAD compares: Middle Eastern, 0.033%; no homozygotes.

Submissions (3):

Blueprint Genetics
Classification: Uncertain significance. Last evaluated: 2024-04-25. Review status: criteria provided, single submitter. Criteria: ACMG Guidelines, 2015. Collection method: clinical testing. Allele origin: germline.

Ambry Genetics
Classification: Uncertain significance for Inborn genetic diseases. Last evaluated: 2024-01-16. Review status: criteria provided, single submitter. Criteria: Ambry Variant Classification Scheme 2023. Collection method: clinical testing. Allele origin: germline.

Labcorp Genetics (formerly Invitae), Labcorp
Classification: Uncertain significance. Last evaluated: 2022-07-05. Review status: criteria provided, single submitter. Criteria: Invitae Variant Classification Sherloc (09022015). Collection method: clinical testing. Allele origin: germline.
Comment: In summary, the available evidence is currently insufficient to determine the role of this variant in disease. Therefore, it has been classified as a Variant of Uncertain Significance. Algorithms developed to predict the effect of missense changes on protein structure and function (SIFT, PolyPhen-2, Align-GVGD) all suggest that this variant is likely to be disruptive. ClinVar contains an entry for this variant (Variation ID: 1437031). This variant has not been reported in the literature in individuals affected with FAT1-related conditions. This variant is present in population databases (rs774357573, gnomAD 0.006%). This sequence change replaces asparagine, which is neutral and polar, with serine, which is neutral and polar, at codon 1133 of the FAT1 protein (p.Asn1133Ser).

NM_005245.4(FAT1):c.3398A>G (p.Asn1133Ser)

Gene: FAT1 (FAT atypical cadherin 1; minus strand). Cytogenetic location: 4q35.2.
Variant type: single nucleotide variant.
Coding change: c.3398A>G on transcript NM_005245.4 (MANE Select); coding-DNA position 3398, A replaced by G.
Protein change: p.Asn1133Ser; replaces asparagine 1133 with serine.
Molecular consequence: missense variant.
Genome position (GRCh38, 1-based): chr4:186,663,481, T>C on the plus strand (A>G on the coding strand, the complement: FAT1 is on the minus strand). VCF-style: chr4-186663481-T-C. GRCh37 (hg19) VCF-style: chr4-187584635-T-C.
Other names: c.3398A>G (NM_005245.3); short protein forms N1133S.
Identifiers: ClinVar variation 1437031 (VCV001437031.11), dbSNP rs774357573, ClinGen allele CA3167021.